The following is an entry in ClinVar:

NM_205836.3(FBXO38):c.771C>T (p.Gly257=)

Gene: FBXO38 (F-box protein 38; plus strand). Cytogenetic location: 5q32.
Variant type: single nucleotide variant.
Coding change: c.771C>T on transcript NM_205836.3 (MANE Select); coding-DNA position 771, C replaced by T.
Protein change: p.Gly257=; no amino-acid change (glycine 257 retained).
Molecular consequence: synonymous variant.
Genome position (GRCh38, 1-based): chr5:148,406,297, C>T. VCF-style: chr5-148406297-C-T. GRCh37 (hg19) VCF-style: chr5-147785860-C-T.
Other names: c.771C>T, p.Gly257= (NM_001271723.2, NM_030793.5).
Identifiers: ClinVar variation 656054 (VCV000656054.10), dbSNP rs1581244170, ClinGen allele CA446936967.

ClinVar aggregate classification (germline): Uncertain significance (1 of 4 stars; one submission).

Conditions:
Distal hereditary motor neuropathy type 2. Identifiers: Orphanet 139525, MedGen C3711384, MeSH C580044, MONDO:0015352.

Allele frequency attached by ClinVar (database versions not stated): gnomAD exomes below 0.00001.
gnomAD v4.1: 1 of 1,609,098 alleles (0.000062%); highest among the groups gnomAD compares: African/African-American, 0.0013%; no homozygotes.

Submission:

Labcorp Genetics (formerly Invitae), Labcorp
Classification: Uncertain significance for Distal hereditary motor neuropathy type 2. Last evaluated: 2018-07-31. Review status: criteria provided, single submitter. Criteria: Invitae Variant Classification Sherloc (09022015). Collection method: clinical testing. Allele origin: germline.
Comment: This sequence change affects codon 257 of the FBXO38 mRNA. It is a 'silent' change, meaning that it does not change the encoded amino acid sequence of the FBXO38 protein. This variant is not present in population databases (ExAC no frequency). This variant has not been reported in the literature in individuals with FBXO38-related disease. Algorithms developed to predict the effect of sequence changes on RNA splicing suggest that this variant may create or strengthen a splice site, but this prediction has not been confirmed by published transcriptional studies. In summary, the available evidence is currently insufficient to determine the role of this variant in disease. Therefore, it has been classified as a Variant of Uncertain Significance.